The following is an entry in ClinVar:

NM_000548.5(TSC2):c.3812C>G (p.Thr1271Arg)

Gene: TSC2 (TSC complex subunit 2; plus strand). Cytogenetic location: 16p13.3.
Variant type: single nucleotide variant.
Coding change: c.3812C>G on transcript NM_000548.5 (MANE Select); coding-DNA position 3812, C replaced by G.
Protein change: p.Thr1271Arg; replaces threonine 1271 with arginine.
Molecular consequence: missense variant.
Genome position (GRCh38, 1-based): chr16:2,081,796, C>G. VCF-style: chr16-2081796-C-G. GRCh37 (hg19) VCF-style: chr16-2131797-C-G.
Other names: c.3680C>G, p.Thr1227Arg (NM_001077183.3, NM_001370404.1); c.3812C>G, p.Thr1271Arg (NM_001114382.3); c.3572C>G, p.Thr1191Arg (NM_001318827.2); c.3536C>G, p.Thr1179Arg (NM_001318829.2); c.3080C>G, p.Thr1027Arg (NM_001318831.2); c.3713C>G, p.Thr1238Arg (NM_001318832.2); c.3683C>G, p.Thr1228Arg (NM_001363528.2, NM_001370405.1, NM_021055.3); c.3812C>G (NM_000548.3); short protein forms T1179R, T1238R, T1271R, T1027R, T1227R, T1191R, T1228R.
Identifiers: ClinVar variation 1465472 (VCV001465472.7), dbSNP rs1567511623, ClinGen allele CA394293666.

ClinVar aggregate classification (germline): Uncertain significance. Review status: criteria provided, multiple submitters, no conflicts (2 of 4 stars). 2 submissions from 2 submitters: Uncertain significance (2). Last evaluated 2025-05-15.

Conditions:
Tuberous sclerosis 2 (TSC2). Identifiers: Orphanet 805, MedGen C1860707, MONDO:0013199, OMIM 613254.
Hereditary cancer-predisposing syndrome. Also called: Neoplastic Syndromes, Hereditary; Hereditary Cancer Syndrome; Tumor predisposition; Hereditary neoplastic syndrome. Identifiers: Orphanet 140162, MedGen C0027672, MeSH D009386, MONDO:0015356.

Submissions (2):

Ambry Genetics
Classification: Uncertain significance for Hereditary cancer-predisposing syndrome. Last evaluated: 2025-05-15. Review status: criteria provided, single submitter. Criteria: Ambry Variant Classification Scheme 2023. Collection method: clinical testing. Allele origin: germline.
Comment: The p.T1271R variant (also known as c.3812C>G), located in coding exon 30 of the TSC2 gene, results from a C to G substitution at nucleotide position 3812. The threonine at codon 1271 is replaced by arginine, an amino acid with similar properties. This amino acid position is conserved. In addition, this alteration is predicted to be deleterious by in silico analysis. Based on the available evidence, the clinical significance of this variant remains unclear.

Labcorp Genetics (formerly Invitae), Labcorp
Classification: Uncertain significance for Tuberous sclerosis 2. Last evaluated: 2021-12-11. Review status: criteria provided, single submitter. Criteria: Invitae Variant Classification Sherloc (09022015). Collection method: clinical testing. Allele origin: germline.
Comment: In summary, the available evidence is currently insufficient to determine the role of this variant in disease. Therefore, it has been classified as a Variant of Uncertain Significance. Algorithms developed to predict the effect of sequence changes on RNA splicing suggest that this variant may create or strengthen a splice site. Algorithms developed to predict the effect of missense changes on protein structure and function are either unavailable or do not agree on the potential impact of this missense change (SIFT: "Tolerated"; PolyPhen-2: "Probably Damaging"; Align-GVGD: "Class C0"). This variant has not been reported in the literature in individuals affected with TSC2-related conditions. This variant is not present in population databases (gnomAD no frequency). This sequence change replaces threonine, which is neutral and polar, with arginine, which is basic and polar, at codon 1271 of the TSC2 protein (p.Thr1271Arg).